The following is an entry in ClinVar:

ClinVar aggregate classification (germline): Uncertain significance (1 of 4 stars; one submission).

Allele frequency attached by ClinVar (database versions not stated): ExAC 0.00002; TOPMed 0.00004; ESP Exome Variant Server 0.00010; gnomAD 0.00005.
gnomAD v4.1: 7 of 1,210,339 alleles (0.00058%); highest among the groups gnomAD compares: African/African-American, 0.007%; no homozygotes.

Submission:

Labcorp Genetics (formerly Invitae), Labcorp
Classification: Uncertain significance. Last evaluated: 2025-05-30. Review status: criteria provided, single submitter. Criteria: Invitae Variant Classification Sherloc (09022015). Collection method: clinical testing. Allele origin: germline.
Comment: This sequence change replaces aspartic acid, which is acidic and polar, with asparagine, which is neutral and polar, at codon 957 of the AMER1 protein (p.Asp957Asn). This variant is present in population databases (rs370290063, gnomAD 0.01%). This variant has not been reported in the literature in individuals affected with AMER1-related conditions. ClinVar contains an entry for this variant (Variation ID: 3010552). An algorithm developed to predict the effect of missense changes on protein structure and function outputs the following: PolyPhen-2: "Benign". The asparagine amino acid residue is found in multiple mammalian species, which suggests that this missense change does not adversely affect protein function. In summary, the available evidence is currently insufficient to determine the role of this variant in disease. Therefore, it has been classified as a Variant of Uncertain Significance.

NM_152424.4(AMER1):c.2869G>A (p.Asp957Asn)

Gene: AMER1 (APC membrane recruitment protein 1; minus strand). Cytogenetic location: Xq11.2.
Variant type: single nucleotide variant.
Coding change: c.2869G>A on transcript NM_152424.4 (MANE Select); coding-DNA position 2869, G replaced by A.
Protein change: p.Asp957Asn; replaces aspartic acid 957 with asparagine.
Molecular consequence: missense variant.
Genome position (GRCh38, 1-based): chrX:64,190,418, C>T on the plus strand (G>A on the coding strand, the complement: AMER1 is on the minus strand). VCF-style: chrX-64190418-C-T. GRCh37 (hg19) VCF-style: chrX-63410298-C-T.
Other names: short protein forms D957N.
Identifiers: ClinVar variation 3010552 (VCV003010552.3), dbSNP rs370290063, ClinGen allele CA10432142.
Genomic context (GRCh38, chrX:64,190,418, plus strand): 5'-GGCTTATCCAGGCAGGACCTGGCCCCACTGGAAGAGGACAGGGAGCCCAAGCAGGCCAAT[C>T]ATAGGCCCCTGGGGGTTCAGTATAGAGGGAAAGGGGACTGTCTCGGCTCCATTCTCCTTC-3'
Protein context (NP_689637.3, residues 947-967): SLYTEPPGAY[Asp957Asn]WPAWAPCPLP